The following is an entry in ClinVar:

NM_033453.4(ITPA):c.137A>G (p.Gln46Arg)

Gene: ITPA (inosine triphosphatase; plus strand). Cytogenetic location: 20p13.
Variant type: single nucleotide variant.
Coding change: c.137A>G on transcript NM_033453.4 (MANE Select); coding-DNA position 137, A replaced by G.
Protein change: p.Gln46Arg; replaces glutamine 46 with arginine.
Molecular consequence: missense variant. On other transcripts: 5 prime UTR variant (4), intron variant (1).
Genome position (GRCh38, 1-based): chr20:3,213,331, A>G. VCF-style: chr20-3213331-A-G. GRCh37 (hg19) VCF-style: chr20-3193977-A-G.
Other names: c.-201A>G (NM_001324236.2, NM_001324237.2, NM_001324238.2 and 1 more transcripts); c.137A>G, p.Gln46Arg (NM_001324240.2); c.86A>G, p.Gln29Arg (NM_181493.4); c.67-654A>G (NM_001267623.2); short protein forms Q29R, Q46R.
Identifiers: ClinVar variation 1320998 (VCV001320998.2), dbSNP rs2122320860, ClinGen allele CA408077062.
Genomic context (GRCh38, chr20:3,213,331, plus strand): 5'-TCTGTCTTCCTGTGACCTGACTTTCTGTGTGTCTGTTTCCCTGATAAGTGCCGGAGTACC[A>G]GGGGGAGCCGGATGAGATTTCCATACAGAAATGTCAGGAGGCAGTTCGCCAGGTGCTTGC-3'
Protein context (NP_258412.1, residues 36-56): VAQKIDLPEY[Gln46Arg]GEPDEISIQK

ClinVar aggregate classification (germline): Uncertain significance (1 of 4 stars; one submission).

Allele frequency attached by ClinVar (database versions not stated): gnomAD exomes below 0.00001.
gnomAD v4.1: 1 of 1,614,046 alleles (0.000062%); highest among the groups gnomAD compares: Non-Finnish European, 0.000085%; no homozygotes.

Submission:

GeneDx
Classification: Uncertain significance. Last evaluated: 2019-04-11. Review status: criteria provided, single submitter. Criteria: GeneDx Variant Classification Process June 2021. Collection method: clinical testing. Allele origin: germline. Affected: yes.
Comment: Has not been previously published as pathogenic or benign to our knowledge; Not observed in large population cohorts (Lek et al., 2016); In silico analysis, which includes protein predictors and evolutionary conservation, supports a deleterious effect